The following is an entry in ClinVar:

NM_001018113.3(FANCB):c.611A>C (p.Asp204Ala)

Gene: FANCB (FA complementation group B; minus strand). Cytogenetic location: Xp22.2.
Variant type: single nucleotide variant.
Coding change: c.611A>C on transcript NM_001018113.3 (MANE Select); coding-DNA position 611, A replaced by C.
Protein change: p.Asp204Ala; replaces aspartic acid 204 with alanine.
Molecular consequence: missense variant.
Genome position (GRCh38, 1-based): chrX:14,864,900, T>G on the plus strand (A>C on the coding strand, the complement: FANCB is on the minus strand). VCF-style: chrX-14864900-T-G. GRCh37 (hg19) VCF-style: chrX-14883022-T-G.
Other names: c.611A>C, p.Asp204Ala (NM_001324162.2, NM_001410764.1, NM_152633.4); short protein forms D204A.
Identifiers: ClinVar variation 2719946 (VCV002719946.3), dbSNP rs2519010815, ClinGen allele CA412444110.

ClinVar aggregate classification (germline): Uncertain significance (1 of 4 stars; one submission).

Conditions:
Fanconi anemia (FA). Also called: Fanconi's anemia. Identifiers: Orphanet 84, MedGen C0015625, MeSH D005199, MONDO:0019391.

Submission:

Labcorp Genetics (formerly Invitae), Labcorp
Classification: Uncertain significance for Fanconi anemia. Last evaluated: 2023-06-30. Review status: criteria provided, single submitter. Criteria: Invitae Variant Classification Sherloc (09022015). Collection method: clinical testing. Allele origin: germline.
Comment: This sequence change replaces aspartic acid, which is acidic and polar, with alanine, which is neutral and non-polar, at codon 204 of the FANCB protein (p.Asp204Ala). This variant is not present in population databases (gnomAD no frequency). This variant has not been reported in the literature in individuals affected with FANCB-related conditions. Advanced modeling of protein sequence and biophysical properties (such as structural, functional, and spatial information, amino acid conservation, physicochemical variation, residue mobility, and thermodynamic stability) performed at Invitae indicates that this missense variant is expected to disrupt FANCB protein function. In summary, the available evidence is currently insufficient to determine the role of this variant in disease. Therefore, it has been classified as a Variant of Uncertain Significance.